The following is an entry in ClinVar:

NM_181783.4(TMTC3):c.*814G>A

Gene: TMTC3 (transmembrane O-mannosyltransferase targeting cadherins 3; plus strand). Cytogenetic location: 12q21.32.
Variant type: single nucleotide variant.
Coding change: c.*814G>A on transcript NM_181783.4 (MANE Select); 814 bases downstream of the stop codon, G replaced by A.
Molecular consequence: 3 prime UTR variant. On other transcripts: non-coding transcript variant (1).
Genome position (GRCh38, 1-based): chr12:88,196,463, G>A. VCF-style: chr12-88196463-G-A. GRCh37 (hg19) VCF-style: chr12-88590240-G-A.
Other names: c.*814G>A (NM_001366574.1, NM_001366579.1, NM_001366580.1 and 1 more transcripts).
Identifiers: ClinVar variation 4846951 (VCV004846951.1).

ClinVar aggregate classification (germline): Uncertain significance (1 of 4 stars; one submission).

Conditions:
Lissencephaly 8 (LIS8). Identifiers: MedGen C4310646, MONDO:0014992, OMIM 617255.

Submission:

Laboratorio de Genetica e Diagnostico Molecular, Hospital Israelita Albert Einstein
Classification: Uncertain significance for Lissencephaly 8. Last evaluated: 2025-12-22. Review status: criteria provided, single submitter. Criteria: ACMG Guidelines, 2015. Collection method: clinical testing. Allele origin: germline. Affected: yes.
Comment: ACMG classification criteria: PM2 supporting